The following is an entry in ClinVar:

ClinVar aggregate classification (germline): Likely benign. Review status: criteria provided, multiple submitters, no conflicts (2 of 4 stars). 2 submissions from 2 submitters: Likely benign (2). Last evaluated 2026-08-01.

Conditions:
CADM3-related condition.

gnomAD v4.1: 4,329 of 1,614,080 alleles (0.27%); highest among the groups gnomAD compares: Non-Finnish European, 0.34%; 6 homozygotes.

Submissions (2):

CeGaT Center for Human Genetics Tuebingen
Classification: Likely benign. Last evaluated: 2026-08-01. Review status: criteria provided, single submitter. Criteria: CeGaT Center For Human Genetics Tuebingen Variant Classification Criteria Version 2. Collection method: clinical testing. Allele origin: germline. Affected: yes. Observed: 6 variant alleles.
Comment: CADM3: BP4, BP7

PreventionGenetics, part of Exact Sciences
Classification: Likely benign for CADM3-related condition. Last evaluated: 2026-03-25. Review status: criteria provided, single submitter. Criteria: ACMG Guidelines, 2015. Collection method: clinical testing. Allele origin: germline.
Comment: This variant is classified as likely benign based on ACMG/AMP sequence variant interpretation guidelines (Richards et al. 2015 PMID: 25741868, with internal and published modifications).

NM_001127173.3(CADM3):c.840G>A (p.Gln280=)

Genes: CADM3 (cell adhesion molecule 3; plus strand), CADM3-AS1 (CADM3 antisense RNA 1; minus strand). Cytogenetic location: 1q23.2.
Variant type: single nucleotide variant.
Coding change: c.840G>A on transcript NM_001127173.3 (MANE Select); coding-DNA position 840, G replaced by A.
Protein change: p.Gln280=; no amino-acid change (glutamine 280 retained).
Molecular consequence: synonymous variant. On other transcripts: non-coding transcript variant (1).
Genome position (GRCh38, 1-based): chr1:159,196,948, G>A. VCF-style: chr1-159196948-G-A. GRCh37 (hg19) VCF-style: chr1-159166738-G-A.
Other names: c.702G>A, p.Gln234= (NM_001346510.2); c.942G>A, p.Gln314= (NM_021189.5); c.942G>A (NM_021189.4).
Identifiers: ClinVar variation 3898082 (VCV003898082.8).